The following is an entry in ClinVar:

ClinVar aggregate classification (germline): Benign/Likely benign. Review status: criteria provided, multiple submitters, no conflicts (2 of 4 stars). 4 submissions from 4 submitters: Benign (3); Likely benign (1). Last evaluated 2026-02-01.

Conditions:
Retinitis pigmentosa 71 (RP71). Identifiers: Orphanet 791, MedGen C4225342, MONDO:0014618, OMIM 616394.
Short-rib thoracic dysplasia 10 with or without polydactyly (SRTD10). Identifiers: Orphanet 474, MedGen C3810175, MONDO:0014284, OMIM 615630.
Bardet-Biedl syndrome 20. Identifiers: MedGen C4310707, MONDO:0023670, OMIM 619471, MONDO:0014926.

Allele frequency attached by ClinVar (database versions not stated): gnomAD exomes 0.00213 and 0.00594; ExAC 0.00741; gnomAD 0.02207 and 0.02365; TOPMed 0.02480; 1000 Genomes Project 30x 0.02795; ESP Exome Variant Server 0.02822; 1000 Genomes Project 0.02855.
gnomAD v4.1: 6,633 of 1,612,426 alleles (0.41%); highest among the groups gnomAD compares: African/African-American, 7.6%; 238 homozygotes.

Submissions (4):

Labcorp Genetics (formerly Invitae), Labcorp
Classification: Benign for Retinitis pigmentosa 71; Short-rib thoracic dysplasia 10 with or without polydactyly. Last evaluated: 2026-02-01. Review status: criteria provided, single submitter. Criteria: Invitae Variant Classification Sherloc (09022015). Collection method: clinical testing. Allele origin: germline.

Fulgent Genetics
Classification: Likely benign for Short-rib thoracic dysplasia 10 with or without polydactyly; Retinitis pigmentosa 71; Bardet-Biedl syndrome 20. Last evaluated: 2021-09-16. Review status: criteria provided, single submitter. Criteria: ACMG Guidelines, 2015. Collection method: clinical testing. Allele origin: unknown.

GeneDx
Classification: Benign. Last evaluated: 2016-05-23. Review status: criteria provided, single submitter. Criteria: GeneDx Variant Classification (06012015). Collection method: clinical testing. Allele origin: germline. Affected: yes.
Comment: This variant is considered likely benign or benign based on one or more of the following criteria: it is a conservative change, it occurs at a poorly conserved position in the protein, it is predicted to be benign by multiple in silico algorithms, and/or has population frequency not consistent with disease.

Breakthrough Genomics
Classification: Benign. Review status: criteria provided, single submitter. Criteria: ACMG Guidelines, 2015. Collection method: not provided. Allele origin: germline. Inheritance: Autosomal recessive inheritance. Affected: yes.

NM_015662.3(IFT172):c.337-12C>T

Gene: IFT172 (intraflagellar transport 172; minus strand). Cytogenetic location: 2p23.3.
Variant type: single nucleotide variant.
Coding change: c.337-12C>T on transcript NM_015662.3 (MANE Select); 12 bases into the intron before coding-DNA position 337, C replaced by T.
Molecular consequence: intron variant.
Genome position (GRCh38, 1-based): chr2:27,483,949, G>A on the plus strand (C>T on the coding strand, the complement: IFT172 is on the minus strand). VCF-style: chr2-27483949-G-A. GRCh37 (hg19) VCF-style: chr2-27706816-G-A.
Identifiers: ClinVar variation 380820 (VCV000380820.12), dbSNP rs79529534, ClinGen allele CA1581017.